The following is an entry in ClinVar:

NM_000288.4(PEX7):c.96G>A (p.Leu32=)

Gene: PEX7 (peroxisomal biogenesis factor 7; plus strand). Cytogenetic location: 6q23.3.
Variant type: single nucleotide variant.
Coding change: c.96G>A on transcript NM_000288.4 (MANE Select); coding-DNA position 96, G replaced by A.
Protein change: p.Leu32=; no amino-acid change (leucine 32 retained).
Molecular consequence: synonymous variant.
Genome position (GRCh38, 1-based): chr6:136,822,761, G>A. VCF-style: chr6-136822761-G-A. GRCh37 (hg19) VCF-style: chr6-137143899-G-A.
Identifiers: ClinVar variation 509113 (VCV000509113.7), dbSNP rs1397119638, ClinGen allele CA452374720.

ClinVar aggregate classification (germline): Likely benign. Review status: criteria provided, multiple submitters, no conflicts (2 of 4 stars). 4 submissions from 4 submitters: Likely benign (3). 1 of the submissions does not count toward it. Last evaluated 2025-10-30.

Conditions:
PEX7-related disorder. Also called: PEX7-related condition; PEX7-related disorders. Identifiers: MedGen CN239409.
Peroxisome biogenesis disorder 9B. Also called: PEX7-Related Refsum Disease; PEROXISOME BIOGENESIS DISORDER, PEX7-RELATED, ATYPICAL; Refsum disease, adult, 2. Identifiers: Orphanet 773, MedGen C2749346, MONDO:0013945, OMIM 614879.
Rhizomelic chondrodysplasia punctata type 1 (RCDP1). Also called: PEX7-Related Rhizomelic Chondrodysplasia Punctata; CHONDRODYSTROPHIA CALCIFICANS PUNCTATA; PEROXISOME BIOGENESIS DISORDER 9. Identifiers: Orphanet 177, Orphanet 309789, MedGen C1859133, MONDO:0008972, OMIM 215100. Disease mechanism: loss of function.

Allele frequency attached by ClinVar (database versions not stated): gnomAD 0.00001; gnomAD exomes 0.00001; TOPMed 0.00001.
gnomAD v4.1: 4 of 1,473,760 alleles (0.00027%); highest among the groups gnomAD compares: Middle Eastern, 0.024%; no homozygotes.

Submissions (4):

PreventionGenetics, part of Exact Sciences
Classification: Likely benign for PEX7-related condition. Last evaluated: 2025-10-30. Review status: criteria provided, single submitter. Criteria: ACMG Guidelines, 2015. Collection method: clinical testing. Allele origin: germline.
Comment: This variant is classified as likely benign based on ACMG/AMP sequence variant interpretation guidelines (Richards et al. 2015 PMID: 25741868, with internal and published modifications).

Labcorp Genetics (formerly Invitae), Labcorp
Classification: Likely benign for Peroxisome biogenesis disorder 9B. Last evaluated: 2025-08-20. Review status: criteria provided, single submitter. Criteria: Invitae Variant Classification Sherloc (09022015). Collection method: clinical testing. Allele origin: germline.

GeneDx
Classification: Likely benign. Last evaluated: 2017-04-20. Review status: criteria provided, single submitter. Criteria: GeneDx Variant Classification (06012015). Collection method: clinical testing. Allele origin: germline. Affected: yes.
Comment: This variant is considered likely benign or benign based on one or more of the following criteria: it is a conservative change, it occurs at a poorly conserved position in the protein, it is predicted to be benign by multiple in silico algorithms, and/or has population frequency not consistent with disease.

Natera, Inc.
Classification: Uncertain significance for Rhizomelic chondrodysplasia punctata type 1. Last evaluated: 2020-01-17. Review status: no assertion criteria provided. Collection method: clinical testing. Allele origin: germline. Not counted in ClinVar's aggregate classification.